The following is an entry in ClinVar:

ClinVar aggregate classification (germline): Likely benign (0 of 4 stars; one submission).

Conditions:
CUL4B-related disorder. Also called: CUL4B-related condition.

gnomAD v4.1: 7 of 1,211,725 alleles (0.00058%); highest among the groups gnomAD compares: Non-Finnish European, 0.00078%; no homozygotes.

Submission:

PreventionGenetics, part of Exact Sciences
Classification: Likely benign for CUL4B-related condition. Last evaluated: 2022-02-14. Review status: no assertion criteria provided. Collection method: clinical testing. Allele origin: germline.
Comment: This variant is classified as likely benign based on ACMG/AMP sequence variant interpretation guidelines (Richards et al. 2015 PMID: 25741868, with internal and published modifications).

NM_001079872.2(CUL4B):c.366C>G (p.Ser122=)

Genes: CUL4B (cullin 4B; minus strand), LOC113845788 (Sharpr-MPRA regulatory region 11856; plus strand). Cytogenetic location: Xq24.
Variant type: single nucleotide variant.
Coding change: c.366C>G on transcript NM_001079872.2 (MANE Select); coding-DNA position 366, C replaced by G.
Protein change: p.Ser122=; no amino-acid change (serine 122 retained).
Molecular consequence: synonymous variant.
Genome position (GRCh38, 1-based): chrX:120,560,273, G>C on the plus strand (C>G on the coding strand, the complement: CUL4B is on the minus strand). VCF-style: chrX-120560273-G-C. GRCh37 (hg19) VCF-style: chrX-119694128-G-C.
Other names: c.381C>G, p.Ser127= (NM_001330624.2); c.420C>G, p.Ser140= (NM_003588.4).
Identifiers: ClinVar variation 3054859 (VCV003054859.2), dbSNP rs141353300, ClinGen allele CA10505706.